The following is an entry in ClinVar:

NM_004360.5(CDH1):c.1960C>A (p.Pro654Thr)

Gene: CDH1 (cadherin 1; plus strand). Cytogenetic location: 16q22.1.
Variant type: single nucleotide variant.
Coding change: c.1960C>A on transcript NM_004360.5 (MANE Select); coding-DNA position 1960, C replaced by A.
Protein change: p.Pro654Thr; replaces proline 654 with threonine.
Molecular consequence: missense variant. On other transcripts: 5 prime UTR variant (1).
Genome position (GRCh38, 1-based): chr16:68,823,422, C>A. VCF-style: chr16-68823422-C-A. GRCh37 (hg19) VCF-style: chr16-68857325-C-A.
Other names: c.1777C>A, p.Pro593Thr (NM_001317184.2); c.412C>A, p.Pro138Thr (NM_001317185.2); c.-6C>A (NM_001317186.2); c.1960C>A (NM_004360.4); short protein forms P593T, P138T, P654T.
Identifiers: ClinVar variation 1374871 (VCV001374871.12), dbSNP rs2152139271, ClinGen allele CA396467547.
Genomic context (GRCh38, chr16:68,823,422, plus strand): 5'-CCCTGGTCTCATCATTTCTTTTTATTGCTTTCTCCAGCCCAAGAATCTATCATTTTGAAG[C>A]CAAAGATGGCCTTAGAGGTGGGTGACTACAAAATCAATCTCAAGCTCATGGATAACCAGA-3'
Protein context (NP_004351.1, residues 644-664): DPTQESIILK[Pro654Thr]KMALEVGDYK

ClinVar aggregate classification (germline): Uncertain significance. Review status: criteria provided, multiple submitters, no conflicts (2 of 4 stars). 4 submissions from 4 submitters: Uncertain significance (4). Last evaluated 2024-09-09.

Conditions:
Hereditary diffuse gastric adenocarcinoma (HDGC). Also called: DIFFUSE GASTRIC AND LOBULAR BREAST CANCER SYNDROME. Identifiers: Orphanet 26106, MedGen C1708349, MONDO:0007648, OMIM 137215.
Familial cancer of breast. Also called: Hereditary breast cancer; BREAST CANCER, FAMILIAL; hereditary breast carcinoma. Identifiers: Orphanet 227535, MedGen C0346153, MONDO:0016419, OMIM 114480. Disease mechanism: loss of function.
Hereditary cancer-predisposing syndrome. Also called: Hereditary neoplastic syndrome; Hereditary Cancer Syndrome; Neoplastic Syndromes, Hereditary; Tumor predisposition. Identifiers: Orphanet 140162, MedGen C0027672, MeSH D009386, MONDO:0015356.

Submissions (4):

Ambry Genetics
Classification: Uncertain significance for Hereditary cancer-predisposing syndrome. Last evaluated: 2024-09-09. Review status: criteria provided, single submitter. Criteria: Ambry Variant Classification Scheme 2023. Collection method: clinical testing. Allele origin: germline.
Comment: The p.P654T variant (also known as c.1960C>A), located in coding exon 13 of the CDH1 gene, results from a C to A substitution at nucleotide position 1960. The proline at codon 654 is replaced by threonine, an amino acid with highly similar properties. This amino acid position is not well conserved in available vertebrate species. In addition, this alteration is predicted to be tolerated by in silico analysis. Based on the available evidence, the clinical significance of this variant remains unclear.

Labcorp Genetics (formerly Invitae), Labcorp
Classification: Uncertain significance for Hereditary diffuse gastric adenocarcinoma. Last evaluated: 2024-03-06. Review status: criteria provided, single submitter. Criteria: Invitae Variant Classification Sherloc (09022015). Collection method: clinical testing. Allele origin: germline.
Comment: This sequence change replaces proline, which is neutral and non-polar, with threonine, which is neutral and polar, at codon 654 of the CDH1 protein (p.Pro654Thr). This variant is not present in population databases (gnomAD no frequency). This variant has not been reported in the literature in individuals affected with CDH1-related conditions. ClinVar contains an entry for this variant (Variation ID: 1374871). An algorithm developed to predict the effect of missense changes on protein structure and function (PolyPhen-2) suggests that this variant is likely to be disruptive. In summary, the available evidence is currently insufficient to determine the role of this variant in disease. Therefore, it has been classified as a Variant of Uncertain Significance.

Baylor Genetics
Classification: Uncertain significance for Familial cancer of breast. Last evaluated: 2023-07-01. Review status: criteria provided, single submitter. Criteria: ACMG Guidelines, 2015. Collection method: clinical testing. Allele origin: unknown.

Women's Health and Genetics/Laboratory Corporation of America, LabCorp
Classification: Uncertain significance. Last evaluated: 2023-03-06. Review status: criteria provided, single submitter. Criteria: LabCorp Variant Classification Summary - May 2015. Collection method: clinical testing. Allele origin: germline.